The following is an entry in ClinVar:

ClinVar aggregate classification (germline): Uncertain significance. Review status: criteria provided, multiple submitters, no conflicts (2 of 4 stars). 7 submissions from 2 submitters: Uncertain significance (7). Last evaluated 2022-07-01.

Conditions:
Scapuloperoneal spinal muscular atrophy (SPSMA). Also called: Scapuloperoneal spinal muscular atrophy, autosomal dominant; Scapuloperoneal Spinal Muscular Atrophy, TRPV4-Related; Scapuloperoneal Form of Spinal Muscular Atrophy; AMYOTROPHY, NEUROGENIC SCAPULOPERONEAL, NEW ENGLAND TYPE. Identifiers: Orphanet 431255, MedGen C0751335, MONDO:0008408, OMIM 181405.
Brachyrachia (short spine dysplasia) (BCYM3). Also called: Brachyolmia, TRPV4-Related; Brachyolmia Type 3; BRACHYRACHIA; Autosomal dominant brachyolmia. Identifiers: Orphanet 93304, MedGen C0432227, MONDO:0007232, OMIM 113500.
Neuronopathy, distal hereditary motor, autosomal dominant 8. Also called: NEURONOPATHY, DISTAL HEREDITARY MOTOR, TYPE VIII; NEUROPATHY, DISTAL HEREDITARY MOTOR, TYPE VIII; SPINAL MUSCULAR ATROPHY, CONGENITAL BENIGN, WITH CONTRACTURES; Autosomal dominant congenital benign spinal muscular atrophy. Identifiers: Orphanet 1216, MedGen C1838492, MONDO:0010839, OMIM 600175.
Spondylometaphyseal dysplasia, Kozlowski type (SMDK). Also called: Spondylometaphyseal Dysplasia, TRPV4-Related (Kozlowski Type); Dysmorphism arthrogryposis skeletal maturation advanced; Jequier-Kozlowski syndrome; Skeletal dysplasia Jequier-Kozlowski type; SMD Kozlowski type. Identifiers: Orphanet 93314, MedGen C0265280, MONDO:0008477, OMIM 184252.
Metatropic dysplasia (MTD). Also called: Metatropic Dysplasia, TRPV4-Related; Metatropic dysplasia, nonlethal dominant; METATROPIC DWARFISM. Identifiers: Orphanet 2635, MedGen C0265281, MONDO:0007986, OMIM 156530.
Charcot-Marie-Tooth disease axonal type 2C (HMSN2C). Also called: Charcot-Marie-Tooth Disease Type 2, TRPV4-Related (CMT2C); CHARCOT-MARIE-TOOTH DISEASE, AXONAL, AUTOSOMAL DOMINANT, TYPE 2C; Charcot-Marie-Tooth Neuropathy Type 2C. Identifiers: Orphanet 99937, MedGen C1853710, MONDO:0011633, OMIM 606071.

Allele frequency attached by ClinVar (database versions not stated): gnomAD exomes below 0.00001 and 0.00001; TOPMed below 0.00001; gnomAD 0.00001.
gnomAD v4.1: 4 of 1,614,078 alleles (0.00025%); highest among the groups gnomAD compares: Admixed American, 0.0017%; no homozygotes.

Submissions (7):

Labcorp Genetics (formerly Invitae), Labcorp
Classification: Uncertain significance for Charcot-Marie-Tooth disease axonal type 2C. Last evaluated: 2022-07-01. Review status: criteria provided, single submitter. Criteria: Invitae Variant Classification Sherloc (09022015). Collection method: clinical testing. Allele origin: germline.
Comment: In summary, the available evidence is currently insufficient to determine the role of this variant in disease. Therefore, it has been classified as a Variant of Uncertain Significance. Advanced modeling of protein sequence and biophysical properties (such as structural, functional, and spatial information, amino acid conservation, physicochemical variation, residue mobility, and thermodynamic stability) performed at Invitae indicates that this missense variant is expected to disrupt TRPV4 protein function. ClinVar contains an entry for this variant (Variation ID: 567260). This variant has not been reported in the literature in individuals affected with TRPV4-related conditions. This variant is present in population databases (no rsID available, gnomAD 0.003%). This sequence change replaces threonine, which is neutral and polar, with arginine, which is basic and polar, at codon 721 of the TRPV4 protein (p.Thr721Arg).

Illumina Laboratory Services, Illumina
Classification: Uncertain significance for Spondylometaphyseal dysplasia, Kozlowski type. Last evaluated: 2018-01-13. Review status: criteria provided, single submitter. Criteria: ICSL Variant Classification Criteria 13 December 2019. Collection method: clinical testing. Allele origin: germline.

Illumina Laboratory Services, Illumina
Classification: Uncertain significance for Metatropic dysplasia. Last evaluated: 2018-01-13. Review status: criteria provided, single submitter. Criteria: ICSL Variant Classification Criteria 13 December 2019. Collection method: clinical testing. Allele origin: germline.

Illumina Laboratory Services, Illumina
Classification: Uncertain significance for Scapuloperoneal spinal muscular atrophy. Last evaluated: 2018-01-13. Review status: criteria provided, single submitter. Criteria: ICSL Variant Classification Criteria 13 December 2019. Collection method: clinical testing. Allele origin: germline.

Illumina Laboratory Services, Illumina
Classification: Uncertain significance for Neuronopathy, distal hereditary motor, autosomal dominant 8. Last evaluated: 2018-01-13. Review status: criteria provided, single submitter. Criteria: ICSL Variant Classification Criteria 13 December 2019. Collection method: clinical testing. Allele origin: germline.

Illumina Laboratory Services, Illumina
Classification: Uncertain significance for Charcot-Marie-Tooth disease axonal type 2C. Last evaluated: 2018-01-13. Review status: criteria provided, single submitter. Criteria: ICSL Variant Classification Criteria 13 December 2019. Collection method: clinical testing. Allele origin: germline.

Illumina Laboratory Services, Illumina
Classification: Uncertain significance for Brachyrachia (short spine dysplasia). Last evaluated: 2018-01-13. Review status: criteria provided, single submitter. Criteria: ICSL Variant Classification Criteria 13 December 2019. Collection method: clinical testing. Allele origin: germline.

NM_021625.5(TRPV4):c.2162C>G (p.Thr721Arg)

Gene: TRPV4 (transient receptor potential cation channel subfamily V member 4; minus strand). Cytogenetic location: 12q24.11.
Variant type: single nucleotide variant.
Coding change: c.2162C>G on transcript NM_021625.5 (MANE Select); coding-DNA position 2162, C replaced by G.
Protein change: p.Thr721Arg; replaces threonine 721 with arginine.
Molecular consequence: missense variant.
Genome position (GRCh38, 1-based): chr12:109,788,446, G>C on the plus strand (C>G on the coding strand, the complement: TRPV4 is on the minus strand). VCF-style: chr12-109788446-G-C. GRCh37 (hg19) VCF-style: chr12-110226251-G-C.
Other names: c.2021C>G, p.Thr674Arg (NM_001177428.2); c.2060C>G, p.Thr687Arg (NM_001177431.2); c.1841C>G, p.Thr614Arg (NM_001177433.2); c.1982C>G, p.Thr661Arg (NM_147204.3); short protein forms T721R, T614R, T661R, T674R, T687R.
Identifiers: ClinVar variation 567260 (VCV000567260.12), dbSNP rs1423138633, ClinGen allele CA386649958.